The following is an entry in ClinVar:

NM_001038603.3(MARVELD2):c.412G>A (p.Gly138Arg)

Gene: MARVELD2 (MARVEL domain containing 2; plus strand). Cytogenetic location: 5q13.2.
Variant type: single nucleotide variant.
Coding change: c.412G>A on transcript NM_001038603.3 (MANE Select); coding-DNA position 412, G replaced by A.
Protein change: p.Gly138Arg; replaces glycine 138 with arginine.
Molecular consequence: missense variant.
Genome position (GRCh38, 1-based): chr5:69,419,797, G>A. VCF-style: chr5-69419797-G-A. GRCh37 (hg19) VCF-style: chr5-68715624-G-A.
Other names: c.412G>A, p.Gly138Arg (NM_001244734.2); c.412G>A (NM_001038603.2); short protein forms G138R.
Identifiers: ClinVar variation 4970623 (VCV004970623.3).

ClinVar aggregate classification (germline): Uncertain significance. Review status: criteria provided, multiple submitters, no conflicts (2 of 4 stars). 3 submissions from 3 submitters: Uncertain significance (3). Last evaluated 2026-04-01.

Conditions:
MARVELD2-related disorder. Also called: MARVELD2-related condition.

gnomAD v4.1: 79 of 1,614,052 alleles (0.0049%); highest among the groups gnomAD compares: Middle Eastern, 0.23%; 1 homozygote.

Submissions (3):

GeneDx
Classification: Uncertain significance. Last evaluated: 2026-04-01. Review status: criteria provided, single submitter. Criteria: GeneDx Variant Classification Process June 2021. Collection method: clinical testing. Allele origin: germline.
Comment: In silico analysis supports that this missense variant has a deleterious effect on protein structure/function; Has not been previously published as pathogenic or benign to our knowledge

PreventionGenetics, part of Exact Sciences
Classification: Uncertain significance for MARVELD2-related condition. Last evaluated: 2026-03-14. Review status: criteria provided, single submitter. Criteria: ACMG Guidelines, 2015. Collection method: clinical testing. Allele origin: germline.
Comment: The MARVELD2 c.412G>A variant is predicted to result in the amino acid substitution p.Gly138Arg. To our knowledge, this variant has not been reported in the literature. This variant is reported in 0.0098% of alleles in individuals of South Asian descent in gnomAD. At this time, the clinical significance of this variant is uncertain due to the absence of conclusive functional and genetic evidence.

Blueprint Genetics
Classification: Uncertain significance. Last evaluated: 2024-09-09. Review status: criteria provided, single submitter. Criteria: ACMG Guidelines, 2015. Collection method: clinical testing. Allele origin: germline.